The following is an entry in ClinVar:

ClinVar aggregate classification (germline): Pathogenic (1 of 4 stars; one submission).

Submission:

Labcorp Genetics (formerly Invitae), Labcorp
Classification: Pathogenic. Last evaluated: 2022-11-24. Review status: criteria provided, single submitter. Criteria: Invitae Variant Classification Sherloc (09022015). Collection method: clinical testing. Allele origin: germline.
Comment: This sequence change creates a premature translational stop signal (p.Gly207Serfs*10) in the SLC20A2 gene. It is expected to result in an absent or disrupted protein product. Loss-of-function variants in SLC20A2 are known to be pathogenic (PMID: 23334463). For these reasons, this variant has been classified as Pathogenic. This variant has not been reported in the literature in individuals affected with SLC20A2-related conditions. This variant is not present in population databases (gnomAD no frequency).

Literature cited by the submitters: PubMed 23334463.

NM_001257180.2(SLC20A2):c.617_618dup (p.Gly207fs)

Gene: SLC20A2 (solute carrier family 20 member 2; minus strand). Cytogenetic location: 8p11.21.
Variant type: Duplication.
Coding change: c.617_618dup on transcript NM_001257180.2 (MANE Select); coding-DNA positions 617 to 618, 2 bases duplicated (TC; older notation c.617_618dupTC).
Protein change: p.Gly207fs; shifts the reading frame from glycine 207.
Molecular consequence: frameshift variant.
Genome position (GRCh38, 1-based): chr8:42,444,758-42,444,759, GA duplicated on the plus strand (TC on the coding strand, the reverse complement: SLC20A2 is on the minus strand); duplicating any 2 consecutive bases within chr8:42,444,758-42,444,760 gives the same sequence; the c. name uses the placement nearest the transcript's 3' end. VCF-style (leftmost placement, unchanged base first): chr8-42444757-C-CGA. GRCh37 (hg19) VCF-style: chr8-42302275-C-CGA.
Other names: c.617_618dup, p.Gly207fs (NM_001257181.2, NM_006749.5); short protein forms G207fs.
Identifiers: ClinVar variation 2087831 (VCV002087831.4), dbSNP rs2487299097, ClinGen allele CA2580078319.
Genomic context (GRCh38, chr8:42,444,757, plus strand): 5'-CGAACAGGAGGGCGACACCAAAGGAAATGAGGGCTATGGCCCACATGGGGAGAACAAGGC[C>CGA]GAGCACTGGGAAGGAAAATGAGAAGCAGTGTCATTACTGGAAACTTCTGCAAGGTCAGGC-3'